The following is an entry in ClinVar:

NM_000051.4(ATM):c.160del (p.Tyr54fs)

Gene: ATM (ATM serine/threonine kinase; plus strand). Cytogenetic location: 11q22.3.
Variant type: Deletion.
Coding change: c.160del on transcript NM_000051.4 (MANE Select); coding-DNA position 160, one base deleted (T; older notation c.160delT).
Protein change: p.Tyr54fs; shifts the reading frame from tyrosine 54.
Molecular consequence: frameshift variant.
Genome position (GRCh38, 1-based): chr11:108,227,863, T deleted. VCF-style (leftmost placement, unchanged base first): chr11-108227862-AT-A. GRCh37 (hg19) VCF-style: chr11-108098589-AT-A.
Other names: c.160del, p.Tyr54fs (NM_001351834.2, NM_001351835.2, NM_001351836.2); short protein forms Y54fs.
Identifiers: ClinVar variation 3148240 (VCV003148240.1), dbSNP rs2496897586, ClinGen allele CA2825001741.
Genomic context (GRCh38, chr11:108,227,862, plus strand): 5'-GATTCGAGATCCTGAAACAATTAAACATCTAGATCGGCATTCAGATTCCAAACAAGGAAA[AT>A]ATTTGAATTGGGATGCTGTTTTTAGGTATTCTATTCAAATTTATTTTACTGTCTTTATTT-3'

ClinVar aggregate classification (germline): Pathogenic (1 of 4 stars; one submission).

Conditions:
Familial cancer of breast. Also called: BREAST CANCER, FAMILIAL; Hereditary breast cancer; hereditary breast carcinoma. Identifiers: Orphanet 227535, MedGen C0346153, MONDO:0016419, OMIM 114480. Disease mechanism: loss of function.

Submission:

Myriad Genetics, Inc.
Classification: Pathogenic for Familial cancer of breast. Last evaluated: 2024-01-08. Review status: criteria provided, single submitter. Criteria: Myriad Autosomal Dominant, Autosomal Recessive and X-Linked Classification Criteria (2023). Collection method: clinical testing. Allele origin: unknown.
Comment: This variant is considered pathogenic. This variant creates a frameshift predicted to result in premature protein truncation.